The following is an entry in ClinVar:

ClinVar aggregate classification (germline): Uncertain significance. Review status: criteria provided, multiple submitters, no conflicts (2 of 4 stars). 3 submissions from 3 submitters: Uncertain significance (3). Last evaluated 2024-04-04.

Conditions:
Hereditary nonpolyposis colorectal neoplasms. Identifiers: MedGen C0009405, MeSH D003123.
Hereditary cancer-predisposing syndrome. Also called: Hereditary Cancer Syndrome; Hereditary neoplastic syndrome; Tumor predisposition; Neoplastic Syndromes, Hereditary. Identifiers: Orphanet 140162, MedGen C0027672, MeSH D009386, MONDO:0015356.

Submissions (3):

Ambry Genetics
Classification: Uncertain significance for Hereditary cancer-predisposing syndrome. Last evaluated: 2024-04-04. Review status: criteria provided, single submitter. Criteria: Ambry Variant Classification Scheme 2023. Collection method: clinical testing. Allele origin: germline.
Comment: The p.M1326I variant (also known as c.3978G>T), located in coding exon 9 of the MSH6 gene, results from a G to T substitution at nucleotide position 3978. The methionine at codon 1326 is replaced by isoleucine, an amino acid with highly similar properties. This amino acid position is conserved. In addition, this alteration is predicted to be tolerated by in silico analysis. Based on the available evidence, the clinical significance of this variant remains unclear.

Labcorp Genetics (formerly Invitae), Labcorp
Classification: Uncertain significance for Hereditary nonpolyposis colorectal neoplasms. Last evaluated: 2023-10-04. Review status: criteria provided, single submitter. Criteria: Invitae Variant Classification Sherloc (09022015). Collection method: clinical testing. Allele origin: germline.
Comment: This sequence change replaces methionine, which is neutral and non-polar, with isoleucine, which is neutral and non-polar, at codon 1326 of the MSH6 protein (p.Met1326Ile). This variant is present in population databases (no rsID available, gnomAD 0.0009%). This variant has not been reported in the literature in individuals affected with MSH6-related conditions. ClinVar contains an entry for this variant (Variation ID: 1397379). Advanced modeling of protein sequence and biophysical properties (such as structural, functional, and spatial information, amino acid conservation, physicochemical variation, residue mobility, and thermodynamic stability) performed at Invitae indicates that this missense variant is not expected to disrupt MSH6 protein function. In summary, the available evidence is currently insufficient to determine the role of this variant in disease. Therefore, it has been classified as a Variant of Uncertain Significance.

Sema4
Classification: Uncertain significance for Hereditary cancer-predisposing syndrome. Last evaluated: 2021-04-09. Review status: criteria provided, single submitter. Criteria: Sema4 Curation Guidelines. Collection method: curation. Allele origin: germline.
Comment: The MSH6 c.3978G>T (p.M1326I) variant has not been reported in the literature to our knowledge. It was observed in 1/111536 chromosomes of the Non-Finnish European subpopulation in the large and broad cohorts of the Genome Aggregation Database (PMID: 32461654), but has not been reported in ClinVar. Functional studies have not been performed, and in silico predictions of the variant's effect on protein function are inconclusive. The evidence is insufficient to meet ACMG/AMP criteria for classifying the variant as benign or pathogenic. Thus, the clinical significance of this variant is currently uncertain.

NM_000179.3(MSH6):c.3978G>T (p.Met1326Ile)

Gene: MSH6 (mutS homolog 6; plus strand). Cytogenetic location: 2p16.3.
Variant type: single nucleotide variant.
Coding change: c.3978G>T on transcript NM_000179.3 (MANE Select); coding-DNA position 3978, G replaced by T.
Protein change: p.Met1326Ile; replaces methionine 1326 with isoleucine.
Molecular consequence: missense variant.
Genome position (GRCh38, 1-based): chr2:47,806,628, G>T. VCF-style: chr2-47806628-G-T. GRCh37 (hg19) VCF-style: chr2-48033767-G-T.
Other names: c.3588G>T, p.Met1196Ile (NM_001281492.2); c.3072G>T, p.Met1024Ile (NM_001281493.2, NM_001281494.2); short protein forms M1326I, M1196I, M1024I.
Identifiers: ClinVar variation 1397379 (VCV001397379.10), dbSNP rs141464646, ClinGen allele CA346761573.